The following is an entry in ClinVar:

ClinVar aggregate classification (germline): Pathogenic/Likely pathogenic. Review status: criteria provided, multiple submitters, no conflicts (2 of 4 stars). 3 submissions from 3 submitters: Pathogenic (1); Likely pathogenic (1). 1 of the submissions does not count toward it. Last evaluated 2026-09-11.

Conditions:
LAMA1-related disorder. Also called: LAMA1-related condition; LAMA1-related disorders.
Inborn genetic diseases. Identifiers: MedGen C0950123, MeSH D030342.
Ataxia - intellectual disability - oculomotor apraxia - cerebellar cysts syndrome. Also called: Poretti-Boltshauser syndrome. Identifiers: Orphanet 370022, MedGen C4014821, MONDO:0014419, OMIM 615960.

Allele frequency attached by ClinVar (database versions not stated): gnomAD 0.00001; TOPMed 0.00001; ExAC 0.00002.
gnomAD v4.1: 10 of 1,613,738 alleles (0.00062%); highest among the groups gnomAD compares: East Asian, 0.0022%; no homozygotes.

Submissions (3):

Ambry Genetics
Classification: Pathogenic for Inborn genetic diseases. Last evaluated: 2026-09-11. Review status: criteria provided, single submitter. Criteria: Ambry Variant Classification Scheme 2023. Collection method: clinical testing. Allele origin: germline.
Comment: The c.3397C>T (p.R1133*) alteration, located in exon 24 (coding exon 24) of the LAMA1 gene, consists of a C to T substitution at nucleotide position 3397. This changes the amino acid from an arginine (R) to a stop codon at amino acid position 1133. This variant is expected to result in loss of function by premature protein truncation or nonsense-mediated mRNA decay. Based on data from gnomAD, the T allele has an overall frequency of 0.002% (5/250388) total alleles studied. The highest observed frequency was 0.003% (1/30512) of South Asian alleles. This variant has been identified in the homozygous state and/or in conjunction with other LAMA1 variant(s) in individual(s) with features consistent with Poretti&ndash;Boltshauser syndrome; in at least one instance, the variants were identified in trans (Ambry internal data, Powell, 2021). Based on the available evidence, this alteration is classified as pathogenic.

Blueprint Genetics
Classification: Likely pathogenic for LAMA1-related disorders. Last evaluated: 2024-10-04. Review status: criteria provided, single submitter. Criteria: ACMG Guidelines, 2015. Collection method: clinical testing. Allele origin: germline. Affected: yes. Observed: 2 variant alleles.

Sayer Lab, Translational and Clinical Research Institute, Newcastle Unversity
Classification: Pathogenic for Ataxia - intellectual disability - oculomotor apraxia - cerebellar cysts syndrome. Last evaluated: 2021-05-21. Review status: no assertion criteria provided. Collection method: clinical testing. Allele origin: unknown. Inheritance: Autosomal recessive inheritance. Affected: yes. Observed: 1 variant allele, 1 compound heterozygote. Not counted in ClinVar's aggregate classification.

Literature cited by the submitters: PubMed 34423300 (cited by Ambry Genetics).

NM_005559.4(LAMA1):c.3397C>T (p.Arg1133Ter)

Gene: LAMA1 (laminin subunit alpha 1; minus strand). Cytogenetic location: 18p11.31.
Variant type: single nucleotide variant.
Coding change: c.3397C>T on transcript NM_005559.4 (MANE Select); coding-DNA position 3397, C replaced by T.
Protein change: p.Arg1133Ter; replaces arginine 1133 with a stop codon.
Molecular consequence: nonsense.
Genome position (GRCh38, 1-based): chr18:7,012,105, G>A on the plus strand (C>T on the coding strand, the complement: LAMA1 is on the minus strand). VCF-style: chr18-7012105-G-A. GRCh37 (hg19) VCF-style: chr18-7012104-G-A.
Other names: short protein forms R1133*.
Identifiers: ClinVar variation 521310 (VCV000521310.9), dbSNP rs767889331, ClinGen allele CA8882306.